The following is an entry in ClinVar:

ClinVar aggregate classification (germline): Uncertain significance (1 of 4 stars; one submission).

gnomAD v4.1: 3 of 1,576,604 alleles (0.00019%); highest among the groups gnomAD compares: African/African-American, 0.0027%; no homozygotes.

Submission:

GeneDx
Classification: Uncertain significance. Last evaluated: 2024-01-03. Review status: criteria provided, single submitter. Criteria: GeneDx Variant Classification Process June 2021. Collection method: clinical testing. Allele origin: germline. Affected: yes.
Comment: Not observed at significant frequency in large population cohorts (gnomAD); In silico analysis supports that this missense variant has a deleterious effect on protein structure/function; Has not been previously published as pathogenic or benign to our knowledge; This variant is associated with the following publications: (PMID: 27535533)

NM_001318852.2(MAPK8IP3):c.2152G>T (p.Gly718Trp)

Gene: MAPK8IP3 (mitogen-activated protein kinase 8 interacting protein 3; plus strand). Cytogenetic location: 16p13.3.
Variant type: single nucleotide variant.
Coding change: c.2152G>T on transcript NM_001318852.2 (MANE Select); coding-DNA position 2152, G replaced by T.
Protein change: p.Gly718Trp; replaces glycine 718 with tryptophan.
Molecular consequence: missense variant.
Genome position (GRCh38, 1-based): chr16:1,764,331, G>T. VCF-style: chr16-1764331-G-T. GRCh37 (hg19) VCF-style: chr16-1814332-G-T.
Other names: c.2131G>T, p.Gly711Trp (NM_001040439.2); c.2149G>T, p.Gly717Trp (NM_015133.5); short protein forms G711W, G717W, G718W.
Identifiers: ClinVar variation 3341014 (VCV003341014.1).